The following is an entry in ClinVar:

NM_002890.3(RASA1):c.2747A>G (p.Asn916Ser)

Genes: CCNH (cyclin H; minus strand), RASA1 (RAS p21 protein activator 1; plus strand). Cytogenetic location: 5q14.3.
Variant type: single nucleotide variant.
Coding change: c.2747A>G on transcript NM_002890.3 (MANE Select); coding-DNA position 2747, A replaced by G.
Protein change: p.Asn916Ser; replaces asparagine 916 with serine.
Molecular consequence: missense variant. On other transcripts: intron variant (1).
Genome position (GRCh38, 1-based): chr5:87,383,769, A>G. VCF-style: chr5-87383769-A-G. GRCh37 (hg19) VCF-style: chr5-86679586-A-G.
Other names: c.2216A>G, p.Asn739Ser (NM_022650.3); c.933+11275T>C (NM_001364075.2); short protein forms N916S, N739S.
Identifiers: ClinVar variation 464862 (VCV000464862.10), dbSNP rs765747521, ClinGen allele CA3336087.

ClinVar aggregate classification (germline): Uncertain significance. Review status: criteria provided, multiple submitters, no conflicts (2 of 4 stars). 3 submissions from 3 submitters: Uncertain significance (3). Last evaluated 2025-12-01.

Conditions:
Capillary malformation-arteriovenous malformation syndrome. Also called: Capillary malformation-arteriovenous malformation. Identifiers: Orphanet 137667, MedGen C1842180, MONDO:0012016.
Cardiovascular phenotype. Identifiers: MedGen CN230736.

Allele frequency attached by ClinVar (database versions not stated): gnomAD exomes 0.00003 and 0.00002; TOPMed 0.00003; gnomAD 0.00001 and 0.00002; ExAC 0.00002.
gnomAD v4.1: 43 of 1,610,472 alleles (0.0027%); highest among the groups gnomAD compares: Middle Eastern, 0.016%; no homozygotes.

Submissions (3):

Labcorp Genetics (formerly Invitae), Labcorp
Classification: Uncertain significance for Capillary malformation-arteriovenous malformation syndrome. Last evaluated: 2025-12-01. Review status: criteria provided, single submitter. Criteria: Invitae Variant Classification Sherloc (09022015). Collection method: clinical testing. Allele origin: germline.
Comment: This sequence change replaces asparagine, which is neutral and polar, with serine, which is neutral and polar, at codon 916 of the RASA1 protein (p.Asn916Ser). This variant is present in population databases (rs765747521, gnomAD 0.006%). This variant has not been reported in the literature in individuals affected with RASA1-related conditions. ClinVar contains an entry for this variant (Variation ID: 464862). An algorithm developed to predict the effect of missense changes on protein structure and function (PolyPhen-2) suggests that this variant is likely to be disruptive. In summary, the available evidence is currently insufficient to determine the role of this variant in disease. Therefore, it has been classified as a Variant of Uncertain Significance.

Ambry Genetics
Classification: Uncertain significance for Cardiovascular phenotype. Last evaluated: 2025-08-20. Review status: criteria provided, single submitter. Criteria: Ambry Variant Classification Scheme 2023. Collection method: clinical testing. Allele origin: germline.
Comment: The p.N916S variant (also known as c.2747A>G), located in coding exon 21 of the RASA1 gene, results from an A to G substitution at nucleotide position 2747. The asparagine at codon 916 is replaced by serine, an amino acid with highly similar properties. This amino acid position is conserved. In addition, this alteration is predicted to be tolerated by in silico analysis. Since supporting evidence is limited at this time, the clinical significance of this alteration remains unclear.

GeneDx
Classification: Uncertain significance. Last evaluated: 2019-09-20. Review status: criteria provided, single submitter. Criteria: GeneDx Variant Classification Process June 2021. Collection method: clinical testing. Allele origin: germline. Affected: yes.
Comment: Not observed at a significant frequency in large population cohorts (Lek et al., 2016); In silico analysis, which includes protein predictors and evolutionary conservation, supports a deleterious effect; Has not been previously published as pathogenic or benign to our knowledge